The following is an entry in ClinVar:

ClinVar aggregate classification (germline): Uncertain significance. Review status: criteria provided, multiple submitters, no conflicts (2 of 4 stars). 4 submissions from 4 submitters: Uncertain significance (3). 1 of the submissions does not count toward it. Last evaluated 2024-04-25.

Conditions:
Noonan syndrome 8 (NS8). Identifiers: Orphanet 648, MedGen C3809233, MONDO:0014143, OMIM 615355.
Cardiovascular phenotype. Identifiers: MedGen CN230736.
Cardio-facio-cutaneous syndrome. Also called: Cardiofaciocutaneous syndrome; CFC syndrome. Identifiers: Orphanet 1340, MedGen C1275081, MONDO:0015280. Disease mechanism: gain of function.

Allele frequency attached by ClinVar (database versions not stated): gnomAD 0.00001; TOPMed below 0.00001; ExAC 0.00001.

Submissions (4):

Labcorp Genetics (formerly Invitae), Labcorp
Classification: Uncertain significance for Noonan syndrome 8. Last evaluated: 2024-04-25. Review status: criteria provided, single submitter. Criteria: Invitae Variant Classification Sherloc (09022015). Collection method: clinical testing. Allele origin: germline.
Comment: This sequence change replaces aspartic acid, which is acidic and polar, with asparagine, which is neutral and polar, at codon 126 of the RIT1 protein (p.Asp126Asn). This variant is present in population databases (rs760053864, gnomAD 0.004%). This variant has not been reported in the literature in individuals affected with RIT1-related conditions. ClinVar contains an entry for this variant (Variation ID: 981606). Advanced modeling performed at Invitae incorporating data from internal and/or published experimental studies (Invitae) indicates that this missense variant is not expected to disrupt RIT1 function with a negative predictive value of 95%. In summary, the available evidence is currently insufficient to determine the role of this variant in disease. Therefore, it has been classified as a Variant of Uncertain Significance.

Ambry Genetics
Classification: Uncertain significance for Cardiovascular phenotype. Last evaluated: 2024-01-22. Review status: criteria provided, single submitter. Criteria: Ambry Variant Classification Scheme 2023. Collection method: clinical testing. Allele origin: germline.

CeGaT Center for Human Genetics Tuebingen
Classification: Uncertain significance. Last evaluated: 2022-07-01. Review status: criteria provided, single submitter. Criteria: CeGaT Center For Human Genetics Tuebingen Variant Classification Criteria Version 2. Collection method: clinical testing. Allele origin: germline. Affected: yes. Observed: 1 variant allele.

Service de Génétique Moléculaire, Hôpital Robert Debré
Classification: Uncertain significance for Cardio-facio-cutaneous syndrome. Review status: no assertion criteria provided. Collection method: clinical testing. Allele origin: unknown. Affected: yes. Not counted in ClinVar's aggregate classification.

NM_006912.6(RIT1):c.376G>A (p.Asp126Asn)

Gene: RIT1 (Ras like without CAAX 1; minus strand). Cytogenetic location: 1q22.
Variant type: single nucleotide variant.
Coding change: c.376G>A on transcript NM_006912.6 (MANE Select); coding-DNA position 376, G replaced by A.
Protein change: p.Asp126Asn; replaces aspartic acid 126 with asparagine.
Molecular consequence: missense variant.
Genome position (GRCh38, 1-based): chr1:155,904,364, C>T on the plus strand (G>A on the coding strand, the complement: RIT1 is on the minus strand). VCF-style: chr1-155904364-C-T. GRCh37 (hg19) VCF-style: chr1-155874155-C-T.
Other names: c.268G>A, p.Asp90Asn (NM_001256820.2); c.427G>A, p.Asp143Asn (NM_001256821.2); c.376G>A (NM_006912.4); short protein forms D126N, D143N, D90N.
Identifiers: ClinVar variation 981606 (VCV000981606.33), dbSNP rs760053864, ClinGen allele CA1151800.